The following is an entry in ClinVar:

NM_000352.6(ABCC8):c.3081G>A (p.Val1027=)

Gene: ABCC8 (ATP binding cassette subfamily C member 8; minus strand). Cytogenetic location: 11p15.1.
Variant type: single nucleotide variant.
Coding change: c.3081G>A on transcript NM_000352.6 (MANE Select); coding-DNA position 3081, G replaced by A.
Protein change: p.Val1027=; no amino-acid change (valine 1027 retained).
Molecular consequence: synonymous variant. On other transcripts: non-coding transcript variant (1).
Genome position (GRCh38, 1-based): chr11:17,406,969, C>T on the plus strand (G>A on the coding strand, the complement: ABCC8 is on the minus strand). VCF-style: chr11-17406969-C-T. GRCh37 (hg19) VCF-style: chr11-17428516-C-T.
Other names: c.3084G>A, p.Val1028= (NM_001287174.3); c.3147G>A, p.Val1049= (NM_001351295.2); c.3081G>A, p.Val1027= (NM_001351296.2); c.3078G>A, p.Val1026= (NM_001351297.2).
Identifiers: ClinVar variation 1106008 (VCV001106008.10), dbSNP rs745860035, ClinGen allele CA5902927.

ClinVar aggregate classification (germline): Conflicting classifications of pathogenicity. Review status: criteria provided, conflicting classifications (1 of 4 stars). 3 submissions from 2 submitters: Uncertain significance (2); Likely benign (1). Last evaluated 2024-03-01.

Conditions:
Maturity-onset diabetes of the young (MODY). Also called: Maturity onset diabetes mellitus in young. Identifiers: Orphanet 552, MedGen C0342276, MONDO:0018911, HP:0004904.
Transitory neonatal diabetes mellitus. Also called: Transient neonatal diabetes mellitus. Identifiers: MedGen C0342273, MONDO:0020525, HP:0008255.

Allele frequency attached by ClinVar (database versions not stated): TOPMed 0.00002; ExAC 0.00004.
gnomAD v4.1: 13 of 1,614,188 alleles (0.00081%); highest among the groups gnomAD compares: East Asian, 0.027%; no homozygotes.

Submissions (3):

Labcorp Genetics (formerly Invitae), Labcorp
Classification: Likely benign. Last evaluated: 2024-03-01. Review status: criteria provided, single submitter. Criteria: Invitae Variant Classification Sherloc (09022015). Collection method: clinical testing. Allele origin: germline.

Clinical Genomics, Uppaluri K&H Personalized Medicine Clinic
Classification: Uncertain significance for Maturity-onset diabetes of the young. Review status: criteria provided, single submitter. Criteria: K & H Uppaluri Personalized Medicine Clinic Variant Classification & Assertion Criteria_Updated V.1. Collection method: research. Allele origin: unknown. Inheritance: Somatic mutation.
Comment: Mutations in ABCC8 gene are associated with both neonatal diabetes mellitus as well as MODY. Patients with this mutation may have a better response to sulfonylureas. However, no sufficient evidence is found to ascertain the role of this particular variant (rs745860035) in MODY yet.

Clinical Genomics, Uppaluri K&H Personalized Medicine Clinic
Classification: Uncertain significance for Transitory neonatal diabetes mellitus. Review status: criteria provided, single submitter. Criteria: K & H Uppaluri Personalized Medicine Clinic Variant Classification & Assertion Criteria_Updated V.1. Collection method: research. Allele origin: unknown. Inheritance: Somatic mutation.
Comment: Mutations in ABCC8 gene are associated with both neonatal diabetes mellitus as well as MODY. Patients with this mutation may have a better response to sulfonylureas. However, no sufficient evidence is found to ascertain the role of this particular variant (rs745860035) in neonatal diabetes yet.

Literature cited by the submitters: PubMed 16885549 (cited by Clinical Genomics, Uppaluri K&H Personalized Medicine Clinic); PubMed 21989597 (cited by Clinical Genomics, Uppaluri K&H Personalized Medicine Clinic); PubMed 27538677 (cited by Clinical Genomics, Uppaluri K&H Personalized Medicine Clinic); PubMed 18981553 (cited by Clinical Genomics, Uppaluri K&H Personalized Medicine Clinic); PubMed 32027066 (cited by Clinical Genomics, Uppaluri K&H Personalized Medicine Clinic); PubMed 16613899 (cited by Clinical Genomics, Uppaluri K&H Personalized Medicine Clinic); PubMed 18025408 (cited by Clinical Genomics, Uppaluri K&H Personalized Medicine Clinic); PubMed 32792356 (cited by Clinical Genomics, Uppaluri K&H Personalized Medicine Clinic).